The following is an entry in ClinVar:

NM_004260.4(RECQL4):c.1399G>C (p.Ala467Pro)

Gene: RECQL4 (RecQ like helicase 4; minus strand). Cytogenetic location: 8q24.3.
Variant type: single nucleotide variant.
Coding change: c.1399G>C on transcript NM_004260.4 (MANE Select); coding-DNA position 1399, G replaced by C.
Protein change: p.Ala467Pro; replaces alanine 467 with proline.
Molecular consequence: missense variant. On other transcripts: 5 prime UTR variant (1), non-coding transcript variant (3).
Genome position (GRCh38, 1-based): chr8:144,515,234, C>G on the plus strand (G>C on the coding strand, the complement: RECQL4 is on the minus strand). VCF-style: chr8-144515234-C-G. GRCh37 (hg19) VCF-style: chr8-145740618-C-G.
Other names: c.1303G>C, p.Ala435Pro (NM_001413017.1, NM_001413020.1); c.1399G>C, p.Ala467Pro (NM_001413018.1, NM_001413019.1, NM_001413033.1 and 2 more transcripts); c.328G>C, p.Ala110Pro (NM_001413021.1, NM_001413022.1, NM_001413023.1 and 8 more transcripts); c.1270G>C, p.Ala424Pro (NM_001413025.1); c.262G>C, p.Ala88Pro (NM_001413027.1, NM_001413030.1, NM_001413031.1 and 2 more transcripts); c.1048G>C, p.Ala350Pro (NM_001413029.1); c.-69G>C (NM_001413043.1); short protein forms A110P, A424P, A467P, A350P, A435P, A88P.
Identifiers: ClinVar variation 3788091 (VCV003788091.1).

ClinVar aggregate classification (germline): Uncertain significance (1 of 4 stars; one submission).

Conditions:
Inborn genetic diseases. Identifiers: MedGen C0950123, MeSH D030342.

gnomAD v4.1: 2 of 1,587,124 alleles (0.00013%); highest among the groups gnomAD compares: Non-Finnish European, 0.00017%; no homozygotes.

Submission:

Ambry Genetics
Classification: Uncertain significance for Inborn genetic diseases. Last evaluated: 2025-03-10. Review status: criteria provided, single submitter. Criteria: Ambry Variant Classification Scheme 2023. Collection method: clinical testing. Allele origin: germline.
Comment: The p.A467P variant (also known as c.1399G>C), located in coding exon 8 of the RECQL4 gene, results from a G to C substitution at nucleotide position 1399. The alanine at codon 467 is replaced by proline, an amino acid with highly similar properties. This amino acid position is conserved. In addition, this alteration is predicted to be tolerated by in silico analysis. Based on the available evidence, the clinical significance of this variant remains unclear.